The following is an entry in ClinVar:

NM_003482.4(KMT2D):c.12867C>T (p.Leu4289=)

Gene: KMT2D (lysine methyltransferase 2D; minus strand). Cytogenetic location: 12q13.12.
Variant type: single nucleotide variant.
Coding change: c.12867C>T on transcript NM_003482.4 (MANE Select); coding-DNA position 12867, C replaced by T.
Protein change: p.Leu4289=; no amino-acid change (leucine 4289 retained).
Molecular consequence: synonymous variant.
Genome position (GRCh38, 1-based): chr12:49,031,838, G>A on the plus strand (C>T on the coding strand, the complement: KMT2D is on the minus strand). VCF-style: chr12-49031838-G-A. GRCh37 (hg19) VCF-style: chr12-49425621-G-A.
Identifiers: ClinVar variation 94161 (VCV000094161.46), dbSNP rs202082835, ClinGen allele CA147665.

ClinVar aggregate classification (germline): Benign/Likely benign. Review status: criteria provided, multiple submitters, no conflicts (2 of 4 stars). 9 submissions from 9 submitters: Benign (6); Likely benign (3). Last evaluated 2026-06-01.

Conditions:
Kabuki syndrome. Also called: NIIKAWA-KUROKI SYNDROME; Kabuki make-up syndrome. Identifiers: Orphanet 2322, MedGen C0796004, MONDO:0016512.
Kabuki syndrome 1 (KABUK1). Also called: KMT2D-Related Kabuki Syndrome. Identifiers: Orphanet 2322, MedGen CN030661, MONDO:0007843, OMIM 147920.

Allele frequency attached by ClinVar (database versions not stated): gnomAD exomes 0.00024 and 0.00079; ExAC 0.00099; gnomAD 0.00269 and 0.00294; ESP Exome Variant Server 0.00298; 1000 Genomes Project 0.00300; TOPMed 0.00324; 1000 Genomes Project 30x 0.00328.
gnomAD v4.1: 765 of 1,553,680 alleles (0.049%); highest among the groups gnomAD compares: African/African-American, 0.94%; 4 homozygotes.

Submissions (9):

CeGaT Center for Human Genetics Tuebingen
Classification: Likely benign. Last evaluated: 2026-06-01. Review status: criteria provided, single submitter. Criteria: CeGaT Center For Human Genetics Tuebingen Variant Classification Criteria Version 2. Collection method: clinical testing. Allele origin: germline. Affected: yes. Observed: 2 variant alleles.
Comment: KMT2D: BP4, BS1

Labcorp Genetics (formerly Invitae), Labcorp
Classification: Benign for Kabuki syndrome. Last evaluated: 2026-02-03. Review status: criteria provided, single submitter. Criteria: Invitae Variant Classification Sherloc (09022015). Collection method: clinical testing. Allele origin: germline.

Athena Diagnostics
Classification: Benign. Last evaluated: 2024-10-04. Review status: criteria provided, single submitter. Criteria: Athena Diagnostics Criteria. Collection method: clinical testing. Allele origin: unknown.

Blueprint Genetics
Classification: Likely benign. Last evaluated: 2023-11-06. Review status: criteria provided, single submitter. Criteria: ACMG Guidelines, 2015. Collection method: clinical testing. Allele origin: germline.

Fulgent Genetics
Classification: Likely benign for Kabuki syndrome 1. Last evaluated: 2021-11-19. Review status: criteria provided, single submitter. Criteria: ACMG Guidelines, 2015. Collection method: clinical testing. Allele origin: unknown.

GeneDx
Classification: Benign. Last evaluated: 2020-04-06. Review status: criteria provided, single submitter. Criteria: GeneDx Variant Classification Process June 2021. Collection method: clinical testing. Allele origin: germline. Affected: yes.

Genetic Services Laboratory, University of Chicago
Classification: Benign. Last evaluated: 2019-11-27. Review status: criteria provided, single submitter. Criteria: ACMG Guidelines, 2015. Collection method: clinical testing. Allele origin: germline. Affected: no.

Eurofins Ntd Llc (ga)
Classification: Benign. Last evaluated: 2012-09-14. Review status: criteria provided, single submitter. Criteria: EGL Classification Definitions 2015. Collection method: clinical testing. Allele origin: germline. Observed: 1 variant allele, 1 heterozygote.

Breakthrough Genomics
Classification: Benign. Review status: criteria provided, single submitter. Criteria: ACMG Guidelines, 2015. Collection method: not provided. Allele origin: germline. Inheritance: Autosomal dominant inheritance. Affected: yes.